The following is an entry in ClinVar:

ClinVar aggregate classification (germline): Pathogenic (1 of 4 stars; one submission).

Submission:

Labcorp Genetics (formerly Invitae), Labcorp
Classification: Pathogenic. Last evaluated: 2023-02-08. Review status: criteria provided, single submitter. Criteria: Invitae Variant Classification Sherloc (09022015). Collection method: clinical testing. Allele origin: germline.
Comment: For these reasons, this variant has been classified as Pathogenic. This variant has not been reported in the literature in individuals affected with PDZD7-related conditions. This variant is present in population databases (no rsID available, gnomAD 0.01%). This sequence change creates a premature translational stop signal (p.Leu663Profs*7) in the PDZD7 gene. It is expected to result in an absent or disrupted protein product. Loss-of-function variants in PDZD7 are known to be pathogenic (PMID: 20440071).

Literature cited by the submitters: PubMed 20440071.

NM_001195263.2(PDZD7):c.1987dup (p.Leu663fs)

Gene: PDZD7 (PDZ domain containing 7; minus strand). Cytogenetic location: 10q24.31.
Variant type: Duplication.
Coding change: c.1987dup on transcript NM_001195263.2 (MANE Select); coding-DNA position 1987, one base duplicated (C; older notation c.1987dupC).
Protein change: p.Leu663fs; shifts the reading frame from leucine 663.
Molecular consequence: frameshift variant.
Genome position (GRCh38, 1-based): chr10:101,011,708, G duplicated on the plus strand (C on the coding strand, the reverse complement: PDZD7 is on the minus strand); the first of 2 consecutive G bases (chr10:101,011,708-101,011,709); duplicating either gives the same sequence. VCF-style (leftmost placement, unchanged base first): chr10-101011707-A-AG. GRCh37 (hg19) VCF-style: chr10-102771464-A-AG.
Other names: short protein forms L663fs.
Identifiers: ClinVar variation 2972455 (VCV002972455.3), dbSNP rs1564628151, ClinGen allele CA595494436.